The following is an entry in ClinVar:

ClinVar aggregate classification (germline): Uncertain significance (1 of 4 stars; one submission).

Conditions:
Primary ciliary dyskinesia. Also called: Ciliary dyskinesia. Identifiers: Orphanet 244, MedGen C0008780, MONDO:0016575, HP:0012265.

gnomAD v4.1: 13 of 1,613,762 alleles (0.00081%); highest among the groups gnomAD compares: Admixed American, 0.0017%; no homozygotes.

Submission:

Ambry Genetics
Classification: Uncertain significance for Primary ciliary dyskinesia. Last evaluated: 2025-05-02. Review status: criteria provided, single submitter. Criteria: Ambry Variant Classification Scheme 2023. Collection method: clinical testing. Allele origin: germline.
Comment: The p.L1093P variant (also known as c.3278T>C), located in coding exon 20 of the CCDC40 gene, results from a T to C substitution at nucleotide position 3278. The leucine at codon 1093 is replaced by proline, an amino acid with similar properties. This amino acid position is conserved. In addition, this alteration is predicted to be tolerated by in silico analysis. Based on the available evidence, the clinical significance of this variant remains unclear.

NM_017950.4(CCDC40):c.3278T>C (p.Leu1093Pro)

Gene: CCDC40 (coiled-coil domain 40 molecular ruler complex subunit; plus strand). Cytogenetic location: 17q25.3.
Variant type: single nucleotide variant.
Coding change: c.3278T>C on transcript NM_017950.4 (MANE Select); coding-DNA position 3278, T replaced by C.
Protein change: p.Leu1093Pro; replaces leucine 1093 with proline.
Molecular consequence: missense variant.
Genome position (GRCh38, 1-based): chr17:80,099,624, T>C. VCF-style: chr17-80099624-T-C. GRCh37 (hg19) VCF-style: chr17-78073423-T-C.
Other names: short protein forms L1093P.
Identifiers: ClinVar variation 3997006 (VCV003997006.1).
Genomic context (GRCh38, chr17:80,099,624, plus strand): 5'-AGCACCTGCAGGCTGTGAAGGAGGGGCGCTACGTGTTCCTGTTCCGCTCCAAGCAGTCCC[T>C]AGTGCTGGAGCGCCAGCGCCTGGACAAGCGACTGGCTCTCATCGCCACCATCCTGGACCG-3'
Protein context (NP_060420.2, residues 1083-1103): YVFLFRSKQS[Leu1093Pro]VLERQRLDKR